The following is an entry in ClinVar:

NM_001005242.3(PKP2):c.1379-2068C>T

Gene: PKP2 (plakophilin 2; minus strand). Cytogenetic location: 12p11.21.
Variant type: single nucleotide variant.
Coding change: c.1379-2068C>T on transcript NM_001005242.3 (MANE Select); 2068 bases into the intron before coding-DNA position 1379, C replaced by T.
Molecular consequence: intron variant. On other transcripts: synonymous variant (1).
Genome position (GRCh38, 1-based): chr12:32,843,273, G>A on the plus strand (C>T on the coding strand, the complement: PKP2 is on the minus strand). VCF-style: chr12-32843273-G-A. GRCh37 (hg19) VCF-style: chr12-32996207-G-A.
Other names: c.1419C>T, p.Gly473= (NM_004572.4).
Identifiers: ClinVar variation 220944 (VCV000220944.28), dbSNP rs377424658, ClinGen allele CA028190.

ClinVar aggregate classification (germline): Benign/Likely benign. Review status: criteria provided, multiple submitters, no conflicts (2 of 4 stars). 10 submissions from 10 submitters: Benign (3); Likely benign (4). 3 of the submissions do not count toward it. Last evaluated 2026-01-10.

Conditions:
Cardiomyopathy (CMYO). Also called: Cardiomyopathies. Identifiers: Orphanet 167848, MedGen C0878544, MONDO:0004994, HP:0001638. Inheritance: Various modes of inheritance.
Cardiovascular phenotype. Identifiers: MedGen CN230736.
Arrhythmogenic right ventricular cardiomyopathy (ARVD). Also called: Arrhythmogenic cardiomyopathy; Arrhythmogenic Right Ventricular Cardiomyopathy (ARVC); Arrhythmogenic right ventricular dysplasia; Cardiomyopathy, ARVC. Identifiers: Orphanet 247, MedGen C0349788, MeSH D019571, MONDO:0016587. Disease mechanism: loss of function. Inheritance: Various modes of inheritance.
Arrhythmogenic right ventricular dysplasia 9 (ARVD9). Also called: Arrhythmogenic Right Ventricular Dysplasia/Cardiomyopathy 9; ARRHYTHMOGENIC RIGHT VENTRICULAR DYSPLASIA, FAMILIAL, 9. Identifiers: MedGen C1836906, MONDO:0012180, OMIM 609040.
PKP2-related disorder. Also called: PKP2-related condition.

Allele frequency attached by ClinVar (database versions not stated): gnomAD 0.00016 and 0.00018; TOPMed 0.00019; gnomAD exomes 0.00021; ExAC 0.00025; 1000 Genomes Project 0.00040; 1000 Genomes Project 30x 0.00047.
gnomAD v4.1: 100 of 1,338,962 alleles (0.0075%); highest among the groups gnomAD compares: East Asian, 0.26%; no homozygotes.

Submissions (10):

Labcorp Genetics (formerly Invitae), Labcorp
Classification: Benign for Arrhythmogenic right ventricular dysplasia 9. Last evaluated: 2026-01-10. Review status: criteria provided, single submitter. Criteria: Invitae Variant Classification Sherloc (09022015). Collection method: clinical testing. Allele origin: germline.

Women's Health and Genetics/Laboratory Corporation of America, LabCorp
Classification: Likely benign. Last evaluated: 2024-12-06. Review status: criteria provided, single submitter. Criteria: LabCorp Variant Classification Summary - May 2015. Collection method: clinical testing. Allele origin: germline.

All of Us Research Program, National Institutes of Health
Classification: Benign for Arrhythmogenic right ventricular cardiomyopathy. Last evaluated: 2024-02-05. Review status: criteria provided, single submitter. Criteria: ACMG Guidelines, 2015. Collection method: clinical testing. Allele origin: germline. Inheritance: Autosomal dominant inheritance. Observed: 24 variant alleles, 24 heterozygotes.
Comment: This study involves interpretation of variants in research participants for the purpose of population health screening. Participant phenotype was not available at the time of variant classification. Additional details can be found in publication PMID: 35346344, PMCID: PMC8962531

Blueprint Genetics
Classification: Likely benign. Last evaluated: 2022-04-29. Review status: criteria provided, single submitter. Criteria: ACMG Guidelines, 2015. Collection method: clinical testing. Allele origin: germline.

Ambry Genetics
Classification: Likely benign for Cardiovascular phenotype. Last evaluated: 2019-01-21. Review status: criteria provided, single submitter. Criteria: Ambry Variant Classification Scheme 2023. Collection method: clinical testing. Allele origin: germline.

Color Diagnostics, LLC DBA Color Health
Classification: Benign for Cardiomyopathy. Last evaluated: 2018-09-04. Review status: criteria provided, single submitter. Criteria: ACMG Guidelines, 2015. Collection method: clinical testing. Allele origin: germline.

Illumina Laboratory Services, Illumina
Classification: Likely benign for Arrhythmogenic right ventricular dysplasia 9. Last evaluated: 2017-04-27. Review status: criteria provided, single submitter. Criteria: ICSL Variant Classification Criteria 13 December 2019. Collection method: clinical testing. Allele origin: germline.
Comment: This variant was observed as part of a predisposition screen in an ostensibly healthy population. A literature search was performed for the gene, cDNA change, and amino acid change (where applicable). Publications were found based on this search. The evidence from the literature, in combination with allele frequency data from public databases where available, was sufficient to determine this variant is unlikely to cause disease. Therefore, this variant is classified as likely benign.

PreventionGenetics, part of Exact Sciences
Classification: Likely benign for PKP2-related condition. Last evaluated: 2021-05-10. Review status: no assertion criteria provided. Collection method: clinical testing. Allele origin: germline. Not counted in ClinVar's aggregate classification.
Comment: This variant is classified as likely benign based on ACMG/AMP sequence variant interpretation guidelines (Richards et al. 2015 PMID: 25741868, with internal and published modifications).

Clinical Genetics, Academic Medical Center
Classification: Benign. Review status: no assertion criteria provided. Collection method: clinical testing. Allele origin: germline. Affected: yes. Study: VKGL Data-share Consensus. Not counted in ClinVar's aggregate classification.

Joint Genome Diagnostic Labs from Nijmegen and Maastricht, Radboudumc and MUMC+
Classification: Likely benign. Review status: no assertion criteria provided. Collection method: clinical testing. Allele origin: germline. Affected: yes. Study: VKGL Data-share Consensus. Not counted in ClinVar's aggregate classification.

Literature cited by the submitters: PubMed 27122407 (cited by Illumina Laboratory Services, Illumina).